The following is an entry in ClinVar:

ClinVar aggregate classification (germline): Benign/Likely benign. Review status: criteria provided, multiple submitters, no conflicts (2 of 4 stars). 8 submissions from 8 submitters: Benign (2); Likely benign (3). 3 of the submissions do not count toward it. Last evaluated 2026-01-24.

Conditions:
Deficiency of ferroxidase (ACEP). Also called: Aceruloplasminemia; NEURODEGENERATION WITH BRAIN IRON ACCUMULATION 10; Ceruloplasmin deficiency; Familial apoceruloplasmin deficiency; Hereditary ceruloplasmin deficiency; Deficiency of ceruloplasmin. Identifiers: Orphanet 48818, MedGen C0878682, MONDO:0011426, OMIM 604290, HP:0025498.

Allele frequency attached by ClinVar (database versions not stated): gnomAD exomes 0.00070 and 0.00197; ExAC 0.00510; gnomAD 0.00767 and 0.00805; ESP Exome Variant Server 0.00857; TOPMed 0.00882; 1000 Genomes Project 0.00958; 1000 Genomes Project 30x 0.01156.
gnomAD v4.1: 2,140 of 1,416,672 alleles (0.15%); highest among the groups gnomAD compares: African/African-American, 2.3%; 16 homozygotes.

Submissions (8):

Labcorp Genetics (formerly Invitae), Labcorp
Classification: Benign for Deficiency of ferroxidase. Last evaluated: 2026-01-24. Review status: criteria provided, single submitter. Criteria: Invitae Variant Classification Sherloc (09022015). Collection method: clinical testing. Allele origin: germline.

Blueprint Genetics
Classification: Likely benign. Last evaluated: 2024-11-14. Review status: criteria provided, single submitter. Criteria: ACMG Guidelines, 2015. Collection method: clinical testing. Allele origin: germline.

Mayo Clinic Laboratories, Mayo Clinic
Classification: Benign. Last evaluated: 2023-06-01. Review status: criteria provided, single submitter. Criteria: ACMG Guidelines, 2015. Collection method: clinical testing. Allele origin: germline. Observed: 7 variant alleles.
Comment: BS1, BS2, BP4, BP7

GeneDx
Classification: Likely benign. Last evaluated: 2020-10-28. Review status: criteria provided, single submitter. Criteria: GeneDx Variant Classification Process June 2021. Collection method: clinical testing. Allele origin: germline. Affected: yes.

Breakthrough Genomics
Classification: Likely benign. Review status: criteria provided, single submitter. Criteria: ACMG Guidelines, 2015. Collection method: not provided. Allele origin: germline. Inheritance: Autosomal recessive inheritance. Affected: yes.

Clinical Genetics DNA and cytogenetics Diagnostics Lab, Erasmus MC, Erasmus Medical Center
Classification: Benign. Review status: no assertion criteria provided. Collection method: clinical testing. Allele origin: germline. Affected: yes. Study: VKGL Data-share Consensus. Not counted in ClinVar's aggregate classification.

Genetic Services Laboratory, University of Chicago
Classification: Likely benign for AllHighlyPenetrant. Review status: no assertion criteria provided. Collection method: clinical testing. Allele origin: germline. Inheritance: Autosomal recessive inheritance. Not counted in ClinVar's aggregate classification.
Comment: Likely benign based on allele frequency in 1000 Genomes Project or ESP global frequency and its presence in a patient with a rare or unrelated disease phenotype. NOT Sanger confirmed.

Genome Diagnostics Laboratory, Amsterdam University Medical Center
Classification: Likely benign. Review status: no assertion criteria provided. Collection method: clinical testing. Allele origin: germline. Affected: yes. Study: VKGL Data-share Consensus. Not counted in ClinVar's aggregate classification.

NM_000096.4(CP):c.3182-4A>G

Gene: CP (ceruloplasmin; minus strand). Cytogenetic location: 3q24.
Variant type: single nucleotide variant.
Coding change: c.3182-4A>G on transcript NM_000096.4 (MANE Select); 4 bases into the intron before coding-DNA position 3182, A replaced by G.
Molecular consequence: intron variant.
Genome position (GRCh38, 1-based): chr3:149,173,734, T>C on the plus strand (A>G on the coding strand, the complement: CP is on the minus strand). VCF-style: chr3-149173734-T-C. GRCh37 (hg19) VCF-style: chr3-148891521-T-C.
Other names: p.?.
Identifiers: ClinVar variation 128842 (VCV000128842.25), dbSNP rs34272112, ClinGen allele CA152498.
Genomic context (GRCh38, chr3:149,173,734, plus strand): 5'-GGTTTTTCTCTTTTTTCCACTTATCACCAATTTATTTCATTCAGCCAGATTTGGTGTCTA[T>C]AGAAAAAGAAATTTTAAGACCATTATTAAAAATAATATATGGTTAGAAATTAGTAGATGG-3'